The following is an entry in ClinVar:

NM_013391.3(DMGDH):c.1363+6G>A

Gene: DMGDH (dimethylglycine dehydrogenase; minus strand). Cytogenetic location: 5q14.1.
Variant type: single nucleotide variant.
Coding change: c.1363+6G>A on transcript NM_013391.3 (MANE Select); 6 bases into the intron after coding-DNA position 1363, G replaced by A.
Molecular consequence: intron variant.
Genome position (GRCh38, 1-based): chr5:79,033,233, C>T on the plus strand (G>A on the coding strand, the complement: DMGDH is on the minus strand). VCF-style: chr5-79033233-C-T. GRCh37 (hg19) VCF-style: chr5-78329056-C-T.
Identifiers: ClinVar variation 513162 (VCV000513162.1), dbSNP rs1554035710, ClinGen allele CA658796539.
Genomic context (GRCh38, chr5:79,033,233, plus strand): 5'-AAAGTCAGAGATGCTACAATTCAATTCCGTCAACACTTTGTAGACAACAGTACATTTGTA[C>T]CTTACCAATATTGTTGAATCCATATGATTCTCTTGCTTTGGCCTCAGTGTACTGGGTTGT-3'

ClinVar aggregate classification (germline): Likely benign (1 of 4 stars; one submission).

Allele frequency attached by ClinVar (database versions not stated): TOPMed below 0.00001.

Submission:

GeneDx
Classification: Likely benign. Last evaluated: 2017-12-01. Review status: criteria provided, single submitter. Criteria: GeneDx Variant Classification (06012015). Collection method: clinical testing. Allele origin: germline. Affected: yes.
Comment: This variant is considered likely benign or benign based on one or more of the following criteria: it is a conservative change, it occurs at a poorly conserved position in the protein, it is predicted to be benign by multiple in silico algorithms, and/or has population frequency not consistent with disease.